The following is an entry in ClinVar:

ClinVar aggregate classification (germline): Likely benign. Review status: criteria provided, multiple submitters, no conflicts (2 of 4 stars). 4 submissions from 4 submitters: Likely benign (4). Last evaluated 2024-04-30.

Conditions:
Cardiovascular phenotype. Identifiers: MedGen CN230736.
Catecholaminergic polymorphic ventricular tachycardia (CVPT). Also called: Catecholamine-induced polymorphic ventricular tachycardia. Identifiers: Orphanet 3286, MedGen C5574922, MONDO:0017990.
Cardiomyopathy (CMYO). Also called: Cardiomyopathies. Identifiers: Orphanet 167848, MedGen C0878544, MONDO:0004994, HP:0001638. Inheritance: Various modes of inheritance.
Catecholaminergic polymorphic ventricular tachycardia 1. Also called: VENTRICULAR TACHYCARDIA, CATECHOLAMINERGIC POLYMORPHIC, 1, WITH OR WITHOUT ATRIAL DYSFUNCTION AND/OR DILATED CARDIOMYOPATHY; RYR2-Related Catecholaminergic Polymorphic Ventricular Tachycardia; VENTRICULAR TACHYCARDIA, STRESS-INDUCED POLYMORPHIC 1. Identifiers: Orphanet 3286, MedGen C1631597, MONDO:0011484, OMIM 604772.

Allele frequency attached by ClinVar (database versions not stated): gnomAD exomes below 0.00001 and 0.00001; gnomAD 0.00001; ExAC 0.00002.
gnomAD v4.1: 8 of 1,613,750 alleles (0.0005%); highest among the groups gnomAD compares: East Asian, 0.0045%; no homozygotes.

Submissions (4):

Labcorp Genetics (formerly Invitae), Labcorp
Classification: Likely benign for Catecholaminergic polymorphic ventricular tachycardia 1. Last evaluated: 2024-04-30. Review status: criteria provided, single submitter. Criteria: Invitae Variant Classification Sherloc (09022015). Collection method: clinical testing. Allele origin: germline.

All of Us Research Program, National Institutes of Health
Classification: Likely benign for Catecholaminergic polymorphic ventricular tachycardia. Last evaluated: 2023-08-15. Review status: criteria provided, single submitter. Criteria: ACMG Guidelines, 2015. Collection method: clinical testing. Allele origin: germline. Inheritance: Autosomal dominant inheritance. Observed: 1 variant allele, 1 heterozygote.
Comment: This study involves interpretation of variants in research participants for the purpose of population health screening. Participant phenotype was not available at the time of variant classification. Additional details can be found in publication PMID: 35346344, PMCID: PMC8962531

Ambry Genetics
Classification: Likely benign for Cardiovascular phenotype. Last evaluated: 2022-02-10. Review status: criteria provided, single submitter. Criteria: Ambry Variant Classification Scheme 2023. Collection method: clinical testing. Allele origin: germline.

Color Diagnostics, LLC DBA Color Health
Classification: Likely benign for Cardiomyopathy. Last evaluated: 2019-10-15. Review status: criteria provided, single submitter. Criteria: ACMG Guidelines, 2015. Collection method: clinical testing. Allele origin: germline.

NM_001035.3(RYR2):c.12693G>A (p.Pro4231=)

Genes: RYR2 (ryanodine receptor 2; plus strand), LOC126806068 (BRD4-independent group 4 enhancer GRCh37_chr1:237947411-237948610; plus strand). Cytogenetic location: 1q43.
Variant type: single nucleotide variant.
Coding change: c.12693G>A on transcript NM_001035.3 (MANE Select); coding-DNA position 12693, G replaced by A.
Protein change: p.Pro4231=; no amino-acid change (proline 4231 retained).
Molecular consequence: synonymous variant.
Genome position (GRCh38, 1-based): chr1:237,784,405, G>A. VCF-style: chr1-237784405-G-A. GRCh37 (hg19) VCF-style: chr1-237947705-G-A.
Other names: c.12693G>A (NM_001035.2).
Identifiers: ClinVar variation 923238 (VCV000923238.14), dbSNP rs748387463, ClinGen allele CA066550.